The following is an entry in ClinVar:

NM_001322059.2(PDE1C):c.148C>G (p.Arg50Gly)

Gene: PDE1C (phosphodiesterase 1C; minus strand). Cytogenetic location: 7p14.3.
Variant type: single nucleotide variant.
Coding change: c.148C>G on transcript NM_001322059.2; coding-DNA position 148, C replaced by G.
Protein change: p.Arg50Gly; replaces arginine 50 with glycine.
Molecular consequence: missense variant.
Genome position (GRCh38, 1-based): chr7:32,427,984, G>C on the plus strand (C>G on the coding strand, the complement: PDE1C is on the minus strand). VCF-style: chr7-32427984-G-C. GRCh37 (hg19) VCF-style: chr7-32467596-G-C.
Other names: short protein forms R50G.
Identifiers: ClinVar variation 4987152 (VCV004987152.1).

ClinVar aggregate classification (germline): Uncertain significance (1 of 4 stars; one submission).

Conditions:
PDE1C-related disorder. Also called: PDE1C-related condition.

gnomAD v4.1: 2 of 152,266 alleles (0.0013%); highest among the groups gnomAD compares: Admixed American, 0.013%; no homozygotes.

Submission:

PreventionGenetics, part of Exact Sciences
Classification: Uncertain significance for PDE1C-related condition. Last evaluated: 2026-04-01. Review status: criteria provided, single submitter. Criteria: ACMG Guidelines, 2015. Collection method: clinical testing. Allele origin: germline.
Comment: The PDE1C c.148C>G variant is predicted to result in the amino acid substitution p.Arg50Gly. To our knowledge, this variant has not been reported in the literature or in a large population database (gnomAD), indicating this variant is rare. At this time, the clinical significance of this variant is uncertain due to the absence of conclusive functional and genetic evidence.